The following is an entry in ClinVar:

ClinVar aggregate classification (germline): Uncertain significance. Review status: criteria provided, multiple submitters, no conflicts (2 of 4 stars). 2 submissions from 2 submitters: Uncertain significance (2). Last evaluated 2024-03-16.

Allele frequency attached by ClinVar (database versions not stated): ExAC 0.00001; gnomAD exomes 0.00001; TOPMed 0.00004; gnomAD 0.00005; ESP Exome Variant Server 0.00008.
gnomAD v4.1: 16 of 1,612,188 alleles (0.00099%); highest among the groups gnomAD compares: African/African-American, 0.015%; no homozygotes.

Submissions (2):

GeneDx
Classification: Uncertain significance. Last evaluated: 2024-03-16. Review status: criteria provided, single submitter. Criteria: GeneDx Variant Classification Process June 2021. Collection method: clinical testing. Allele origin: germline. Affected: yes.
Comment: In silico analysis supports that this missense variant does not alter protein structure/function; Has not been previously published as pathogenic or benign to our knowledge

Ambry Genetics
Classification: Uncertain significance. Last evaluated: 2021-11-08. Review status: criteria provided, single submitter. Criteria: Ambry Variant Classification Scheme 2023. Collection method: clinical testing. Allele origin: germline.

NM_001004320.2(AGMO):c.70A>G (p.Lys24Glu)

Gene: AGMO (alkylglycerol monooxygenase; minus strand). Cytogenetic location: 7p21.2.
Variant type: single nucleotide variant.
Coding change: c.70A>G on transcript NM_001004320.2 (MANE Select); coding-DNA position 70, A replaced by G.
Protein change: p.Lys24Glu; replaces lysine 24 with glutamic acid.
Molecular consequence: missense variant.
Genome position (GRCh38, 1-based): chr7:15,561,776, T>C on the plus strand (A>G on the coding strand, the complement: AGMO is on the minus strand). VCF-style: chr7-15561776-T-C. GRCh37 (hg19) VCF-style: chr7-15601401-T-C.
Other names: short protein forms K24E.
Identifiers: ClinVar variation 2259166 (VCV002259166.3), dbSNP rs367804914, ClinGen allele CA4168935.